The following is an entry in ClinVar:

ClinVar aggregate classification (germline): Conflicting classifications of pathogenicity. Review status: criteria provided, conflicting classifications (1 of 4 stars). 4 submissions from 4 submitters: Uncertain significance (3); Likely benign (1). Last evaluated 2024-11-04.

Conditions:
Seckel syndrome 1 (SCKL1). Also called: MICROCEPHALIC PRIMORDIAL DWARFISM I. Identifiers: Orphanet 808, MedGen C4551474, MONDO:0008869, OMIM 210600.
Familial cutaneous telangiectasia and oropharyngeal predisposition cancer syndrome. Identifiers: Orphanet 313846, MedGen C3281203, MONDO:0013806, OMIM 614564.
ATR-related disorder. Also called: ATR-related condition.

gnomAD v4.1: 37 of 1,614,016 alleles (0.0023%); highest among the groups gnomAD compares: Non-Finnish European, 0.003%; no homozygotes.

Submissions (4):

Blueprint Genetics
Classification: Likely benign. Last evaluated: 2024-11-04. Review status: criteria provided, single submitter. Criteria: ACMG Guidelines, 2015. Collection method: clinical testing. Allele origin: germline.

Fulgent Genetics
Classification: Uncertain significance for Seckel syndrome 1; Familial cutaneous telangiectasia and oropharyngeal predisposition cancer syndrome. Last evaluated: 2024-04-12. Review status: criteria provided, single submitter. Criteria: ACMG Guidelines, 2015. Collection method: clinical testing. Allele origin: germline.

Labcorp Genetics (formerly Invitae), Labcorp
Classification: Uncertain significance. Last evaluated: 2024-03-30. Review status: criteria provided, single submitter. Criteria: Invitae Variant Classification Sherloc (09022015). Collection method: clinical testing. Allele origin: germline.
Comment: This sequence change replaces valine, which is neutral and non-polar, with leucine, which is neutral and non-polar, at codon 959 of the ATR protein (p.Val959Leu). This variant is present in population databases (rs28910271, gnomAD 0.004%). This variant has not been reported in the literature in individuals affected with ATR-related conditions. ClinVar contains an entry for this variant (Variation ID: 1430379). An algorithm developed to predict the effect of missense changes on protein structure and function (PolyPhen-2) suggests that this variant¬†is likely to be tolerated. In summary, the available evidence is currently insufficient to determine the role of this variant in disease. Therefore, it has been classified as a Variant of Uncertain Significance.

PreventionGenetics, part of Exact Sciences
Classification: Uncertain significance for ATR-related condition. Last evaluated: 2023-03-08. Review status: criteria provided, single submitter. Criteria: ACMG Guidelines, 2015. Collection method: clinical testing. Allele origin: germline.
Comment: The ATR c.2875G>C variant is predicted to result in the amino acid substitution p.Val959Leu. To our knowledge, this variant has not been reported in the literature. This variant is reported in 0.0044% of alleles in individuals of European (Non-Finnish) descent in gnomAD. At this time, the clinical significance of this variant is uncertain due to the absence of conclusive functional and genetic evidence.

NM_001184.4(ATR):c.2875G>C (p.Val959Leu)

Gene: ATR (ATR checkpoint kinase; minus strand). Cytogenetic location: 3q23.
Variant type: single nucleotide variant.
Coding change: c.2875G>C on transcript NM_001184.4 (MANE Select); coding-DNA position 2875, G replaced by C.
Protein change: p.Val959Leu; replaces valine 959 with leucine.
Molecular consequence: missense variant.
Genome position (GRCh38, 1-based): chr3:142,550,233, C>G on the plus strand (G>C on the coding strand, the complement: ATR is on the minus strand). VCF-style: chr3-142550233-C-G. GRCh37 (hg19) VCF-style: chr3-142269075-C-G.
Other names: c.2683G>C, p.Val895Leu (NM_001354579.2); c.2875G>C (NM_001184.3); short protein forms V959L, V895L.
Identifiers: ClinVar variation 1430379 (VCV001430379.9), dbSNP rs28910271, ClinGen allele CA2650254.